The following is an entry in ClinVar:

ClinVar aggregate classification (germline): Likely pathogenic (1 of 4 stars; one submission).

Conditions:
Primary ciliary dyskinesia. Also called: Ciliary dyskinesia. Identifiers: Orphanet 244, MedGen C0008780, MONDO:0016575, HP:0012265.

Submission:

Natera, Inc.
Classification: Likely pathogenic for Primary ciliary dyskinesia. Last evaluated: 2024-04-29. Review status: criteria provided, single submitter. Criteria: Natera Variant Classification Schema (03/2026). Collection method: clinical testing. Allele origin: germline.
Comment: The c.61A>T variant in DNAH5 is a nonsense variant predicted to introduce a stop codon at amino acid 21. This variant is expected to result in nonsense mediated decay, truncation, or a dysfunctional protein product. This variant is rare in the general population with a frequency below the threshold expected for the associated phenotype(s). Given the available evidence, this variant is classified as Likely Pathogenic.

NM_001369.3(DNAH5):c.61A>T (p.Arg21Ter)

Gene: DNAH5 (dynein axonemal heavy chain 5; minus strand). Cytogenetic location: 5p15.2.
Variant type: single nucleotide variant.
Coding change: c.61A>T on transcript NM_001369.3 (MANE Select); coding-DNA position 61, A replaced by T.
Protein change: p.Arg21Ter; replaces arginine 21 with a stop codon.
Molecular consequence: nonsense.
Genome position (GRCh38, 1-based): chr5:13,931,241, T>A on the plus strand (A>T on the coding strand, the complement: DNAH5 is on the minus strand). VCF-style: chr5-13931241-T-A. GRCh37 (hg19) VCF-style: chr5-13931350-T-A.
Other names: short protein forms R21*.
Identifiers: ClinVar variation 4814908 (VCV004814908.1).